The following is an entry in ClinVar:

NM_001256545.2(MEGF10):c.2795C>T (p.Thr932Met)

Gene: MEGF10 (multiple EGF like domains 10; plus strand). Cytogenetic location: 5q23.2.
Variant type: single nucleotide variant.
Coding change: c.2795C>T on transcript NM_001256545.2 (MANE Select); coding-DNA position 2795, C replaced by T.
Protein change: p.Thr932Met; replaces threonine 932 with methionine.
Molecular consequence: missense variant.
Genome position (GRCh38, 1-based): chr5:127,447,623, C>T. VCF-style: chr5-127447623-C-T. GRCh37 (hg19) VCF-style: chr5-126783315-C-T.
Other names: c.2795C>T, p.Thr932Met (NM_032446.3); short protein forms T932M.
Identifiers: ClinVar variation 948426 (VCV000948426.10), dbSNP rs775983100, ClinGen allele CA3392023.
Genomic context (GRCh38, chr5:127,447,623, plus strand): 5'-TTCCTCACAGCAATGGTGGAAACGCTAATAGCCACTACTTCACCAATCCCAGTTACCACA[C>T]GCTCACCCAGTGTGCCACATCCCCTCACGTCAACAACAGGGACAGGATGACTGTCACGAA-3'
Protein context (NP_001243474.1, residues 922-942): SHYFTNPSYH[Thr932Met]LTQCATSPHV

ClinVar aggregate classification (germline): Uncertain significance. Review status: criteria provided, multiple submitters, no conflicts (2 of 4 stars). 3 submissions from 3 submitters: Uncertain significance (3). Last evaluated 2023-01-17.

Conditions:
MEGF10-related myopathy (CMYO10A). Also called: Congenital myopathy 10A, severe variant. Identifiers: Orphanet 439212, MedGen C3280679, MONDO:0013731, OMIM 614399.
Inborn genetic diseases. Identifiers: MedGen C0950123, MeSH D030342.

Allele frequency attached by ClinVar (database versions not stated): ExAC 0.00002; gnomAD 0.00002; gnomAD exomes 0.00004; TOPMed 0.00004.
gnomAD v4.1: 60 of 1,614,024 alleles (0.0037%); highest among the groups gnomAD compares: Middle Eastern, 0.033%; no homozygotes.

Submissions (3):

Revvity Omics, Revvity
Classification: Uncertain significance. Last evaluated: 2023-01-17. Review status: criteria provided, single submitter. Criteria: ACMG Guidelines, 2015. Collection method: clinical testing. Allele origin: germline.

Labcorp Genetics (formerly Invitae), Labcorp
Classification: Uncertain significance for MEGF10-related myopathy. Last evaluated: 2022-02-03. Review status: criteria provided, single submitter. Criteria: Invitae Variant Classification Sherloc (09022015). Collection method: clinical testing. Allele origin: germline.
Comment: This sequence change replaces threonine, which is neutral and polar, with methionine, which is neutral and non-polar, at codon 932 of the MEGF10 protein (p.Thr932Met). This variant is present in population databases (rs775983100, gnomAD 0.01%). This variant has not been reported in the literature in individuals affected with MEGF10-related conditions. ClinVar contains an entry for this variant (Variation ID: 948426). Algorithms developed to predict the effect of missense changes on protein structure and function are either unavailable or do not agree on the potential impact of this missense change (SIFT: "Deleterious"; PolyPhen-2: "Probably Damaging"; Align-GVGD: "Class C0"). In summary, the available evidence is currently insufficient to determine the role of this variant in disease. Therefore, it has been classified as a Variant of Uncertain Significance.

Ambry Genetics
Classification: Uncertain significance for Inborn genetic diseases. Last evaluated: 2021-09-16. Review status: criteria provided, single submitter. Criteria: Ambry Variant Classification Scheme 2023. Collection method: clinical testing. Allele origin: germline.